The following is an entry in ClinVar:

ClinVar aggregate classification (germline): Conflicting classifications of pathogenicity. Review status: criteria provided, conflicting classifications (1 of 4 stars). 2 submissions from 2 submitters: Uncertain significance (1); Likely benign (1). Last evaluated 2025-12-31.

Conditions:
Cardiovascular phenotype. Identifiers: MedGen CN230736.
Brugada syndrome 8 (BRGDA8). Identifiers: Orphanet 130, MedGen C2751083, MONDO:0013148, OMIM 613123.

Allele frequency attached by ClinVar (database versions not stated): gnomAD 0.00001; TOPMed 0.00002; gnomAD exomes 0.00003 and 0.00006.
gnomAD v4.1: 15 of 1,548,212 alleles (0.00097%); highest among the groups gnomAD compares: Admixed American, 0.027%; no homozygotes.

Submissions (2):

Labcorp Genetics (formerly Invitae), Labcorp
Classification: Likely benign for Brugada syndrome 8. Last evaluated: 2025-12-31. Review status: criteria provided, single submitter. Criteria: Invitae Variant Classification Sherloc (09022015). Collection method: clinical testing. Allele origin: germline.

Ambry Genetics
Classification: Uncertain significance for Cardiovascular phenotype. Last evaluated: 2025-05-30. Review status: criteria provided, single submitter. Criteria: Ambry Variant Classification Scheme 2023. Collection method: clinical testing. Allele origin: germline.
Comment: The p.L929P variant (also known as c.2786T>C), located in coding exon 8 of the HCN4 gene, results from a T to C substitution at nucleotide position 2786. The leucine at codon 929 is replaced by proline, an amino acid with similar properties. This amino acid position is well conserved in available vertebrate species. In addition, the in silico prediction for this alteration is inconclusive. Since supporting evidence is limited at this time, the clinical significance of this alteration remains unclear.

NM_005477.3(HCN4):c.2786T>C (p.Leu929Pro)

Gene: HCN4 (hyperpolarization activated cyclic nucleotide gated potassium channel 4; minus strand). Cytogenetic location: 15q24.1.
Variant type: single nucleotide variant.
Coding change: c.2786T>C on transcript NM_005477.3 (MANE Select); coding-DNA position 2786, T replaced by C.
Protein change: p.Leu929Pro; replaces leucine 929 with proline.
Molecular consequence: missense variant.
Genome position (GRCh38, 1-based): chr15:73,323,307, A>G on the plus strand (T>C on the coding strand, the complement: HCN4 is on the minus strand). VCF-style: chr15-73323307-A-G. GRCh37 (hg19) VCF-style: chr15-73615648-A-G.
Other names: short protein forms L929P.
Identifiers: ClinVar variation 1594868 (VCV001594868.11), dbSNP rs753331607, ClinGen allele CA7648955.